The following is an entry in ClinVar:

NM_006514.4(SCN10A):c.4091C>T (p.Ala1364Val)

Gene: SCN10A (sodium voltage-gated channel alpha subunit 10; minus strand). Cytogenetic location: 3p22.2.
Variant type: single nucleotide variant.
Coding change: c.4091C>T on transcript NM_006514.4 (MANE Select); coding-DNA position 4091, C replaced by T.
Protein change: p.Ala1364Val; replaces alanine 1364 with valine.
Molecular consequence: missense variant.
Genome position (GRCh38, 1-based): chr3:38,710,896, G>A on the plus strand (C>T on the coding strand, the complement: SCN10A is on the minus strand). VCF-style: chr3-38710896-G-A. GRCh37 (hg19) VCF-style: chr3-38752387-G-A.
Other names: c.4088C>T, p.Ala1363Val (NM_001293306.2); c.3797C>T, p.Ala1266Val (NM_001293307.2); short protein forms A1363V, A1364V, A1266V.
Identifiers: ClinVar variation 1385821 (VCV001385821.8), dbSNP rs2125988853, ClinGen allele CA352150292.
Genomic context (GRCh38, chr3:38,710,896, plus strand): 5'-AGACTCACCTCCCGGGAATCAACAGCTGCATACATAATGTCCATCCAGCCTTTAAAGGTT[G>A]CCTGGAGACAAGGAGCAGAGGCCACTCAGTGTCTGCCCATCCATCTATACTGGACCCTTC-3'
Protein context (NP_006505.4, residues 1354-1374): AMGYLALLQV[Ala1364Val]TFKGWMDIMY

ClinVar aggregate classification (germline): Uncertain significance (1 of 4 stars; one submission).

Conditions:
Brugada syndrome. Also called: Sudden unexplained nocturnal death syndrome; Sudden Unexplained Death Syndrome; Sudden Unexplained Nocturnal Death Syndrome (SUNDS); Sudden unexpected nocturnal death syndrome. Identifiers: Orphanet 130, MedGen C1142166, MONDO:0015263.

Allele frequency attached by ClinVar (database versions not stated): gnomAD exomes below 0.00001.
gnomAD v4.1: 1 of 1,613,558 alleles (0.000062%); highest among the groups gnomAD compares: South Asian, 0.0011%; no homozygotes.

Submission:

Labcorp Genetics (formerly Invitae), Labcorp
Classification: Uncertain significance for Brugada syndrome. Last evaluated: 2022-07-12. Review status: criteria provided, single submitter. Criteria: Invitae Variant Classification Sherloc (09022015). Collection method: clinical testing. Allele origin: germline.
Comment: In summary, the available evidence is currently insufficient to determine the role of this variant in disease. Therefore, it has been classified as a Variant of Uncertain Significance. Algorithms developed to predict the effect of sequence changes on RNA splicing suggest that this variant may create or strengthen a splice site. Algorithms developed to predict the effect of missense changes on protein structure and function are either unavailable or do not agree on the potential impact of this missense change (SIFT: "Deleterious"; PolyPhen-2: "Probably Damaging"; Align-GVGD: "Class C0"). ClinVar contains an entry for this variant (Variation ID: 1385821). This variant has not been reported in the literature in individuals affected with SCN10A-related conditions. This variant is not present in population databases (gnomAD no frequency). This sequence change replaces alanine, which is neutral and non-polar, with valine, which is neutral and non-polar, at codon 1364 of the SCN10A protein (p.Ala1364Val).